The following is an entry in ClinVar:

ClinVar aggregate classification (germline): Conflicting classifications of pathogenicity. Review status: criteria provided, conflicting classifications (1 of 4 stars). 3 submissions from 3 submitters: Uncertain significance (1); Likely benign (2). Last evaluated 2025-02-13.

Conditions:
AHDC1-related intellectual disability - obstructive sleep apnea - mild dysmorphism syndrome. Also called: Xia-Gibbs syndrome. Identifiers: Orphanet 412069, MedGen C4014419, MONDO:0014358, OMIM 615829.

Allele frequency attached by ClinVar (database versions not stated): gnomAD exomes 0.00003 and 0.00005; ExAC 0.00005; TOPMed 0.00005; ESP Exome Variant Server 0.00015.

Submissions (3):

Labcorp Genetics (formerly Invitae), Labcorp
Classification: Likely benign. Last evaluated: 2025-02-13. Review status: criteria provided, single submitter. Criteria: Invitae Variant Classification Sherloc (09022015). Collection method: clinical testing. Allele origin: germline.

GeneDx
Classification: Likely benign. Last evaluated: 2018-12-13. Review status: criteria provided, single submitter. Criteria: GeneDx Variant Classification Process June 2021. Collection method: clinical testing. Allele origin: germline. Affected: yes.

Baylor Genetics
Classification: Uncertain significance for AHDC1-related intellectual disability - obstructive sleep apnea - mild dysmorphism syndrome. Last evaluated: 2018-01-18. Review status: criteria provided, single submitter. Criteria: ACMG Guidelines, 2015. Collection method: clinical testing. Allele origin: paternal. Affected: yes.
Comment: This variant was determined to be of uncertain significance according to ACMG Guidelines, 2015 [PMID:25741868].

NM_001371928.1(AHDC1):c.787G>A (p.Ala263Thr)

Gene: AHDC1 (AT-hook DNA binding motif containing 1; minus strand). Cytogenetic location: 1p36.11.
Variant type: single nucleotide variant.
Coding change: c.787G>A on transcript NM_001371928.1 (MANE Select); coding-DNA position 787, G replaced by A.
Protein change: p.Ala263Thr; replaces alanine 263 with threonine.
Molecular consequence: missense variant.
Genome position (GRCh38, 1-based): chr1:27,551,329, C>T on the plus strand (G>A on the coding strand, the complement: AHDC1 is on the minus strand). VCF-style: chr1-27551329-C-T. GRCh37 (hg19) VCF-style: chr1-27877840-C-T.
Other names: c.787G>A, p.Ala263Thr (NM_001029882.3); short protein forms A263T.
Identifiers: ClinVar variation 1033216 (VCV001033216.9), dbSNP rs140199241, ClinGen allele CA716085.